The following is an entry in ClinVar:

NM_000492.4(CFTR):c.2399C>A (p.Ala800Glu)

Gene: CFTR (CF transmembrane conductance regulator; plus strand). Cytogenetic location: 7q31.2.
Variant type: single nucleotide variant.
Coding change: c.2399C>A on transcript NM_000492.4 (MANE Select); coding-DNA position 2399, C replaced by A.
Protein change: p.Ala800Glu; replaces alanine 800 with glutamic acid.
Molecular consequence: missense variant.
Genome position (GRCh38, 1-based): chr7:117,592,566, C>A. VCF-style: chr7-117592566-C-A. GRCh37 (hg19) VCF-style: chr7-117232620-C-A.
Other names: short protein forms A800E.
Identifiers: ClinVar variation 1790660 (VCV001790660.2), dbSNP rs397508373, ClinGen allele CA368981132.

ClinVar aggregate classification (germline): Uncertain significance (1 of 4 stars; one submission).

Conditions:
Cystic fibrosis (CF). Also called: MUCOVISCIDOSIS. Identifiers: Orphanet 586, MedGen C0010674, MONDO:0009061, OMIM 219700. Disease mechanism: loss of function.

Submission:

Ambry Genetics
Classification: Uncertain significance for Cystic fibrosis. Last evaluated: 2022-02-28. Review status: criteria provided, single submitter. Criteria: Ambry Variant Classification Scheme 2023. Collection method: clinical testing. Allele origin: germline.
Comment: The p.A800E variant (also known as c.2399C>A), located in coding exon 14 of the CFTR gene, results from a C to A substitution at nucleotide position 2399. The alanine at codon 800 is replaced by glutamic acid, an amino acid with dissimilar properties. This amino acid position is conserved. In addition, the in silico prediction for this alteration is inconclusive. Since supporting evidence is limited at this time, the clinical significance of this alteration remains unclear.